The following is an entry in ClinVar:

NM_153676.4(USH1C):c.659G>A (p.Arg220Gln)

Gene: USH1C (USH1 protein network component harmonin; minus strand). Cytogenetic location: 11p15.1.
Variant type: single nucleotide variant.
Coding change: c.659G>A on transcript NM_153676.4 (MANE Select); coding-DNA position 659, G replaced by A.
Protein change: p.Arg220Gln; replaces arginine 220 with glutamine.
Molecular consequence: missense variant. On other transcripts: non-coding transcript variant (1).
Genome position (GRCh38, 1-based): chr11:17,526,362, C>T on the plus strand (G>A on the coding strand, the complement: USH1C is on the minus strand). VCF-style: chr11-17526362-C-T. GRCh37 (hg19) VCF-style: chr11-17547909-C-T.
Other names: c.659G>A, p.Arg220Gln (NM_001297764.2, NM_005709.4); short protein forms R220Q.
Identifiers: ClinVar variation 849906 (VCV000849906.9), dbSNP rs754055631, ClinGen allele CA5904932.

ClinVar aggregate classification (germline): Uncertain significance. Review status: criteria provided, multiple submitters, no conflicts (2 of 4 stars). 3 submissions from 3 submitters: Uncertain significance (3). Last evaluated 2025-05-14.

Conditions:
Inborn genetic diseases. Identifiers: MedGen C0950123, MeSH D030342.

Allele frequency attached by ClinVar (database versions not stated): TOPMed 0.00001.

Submissions (3):

Ambry Genetics
Classification: Uncertain significance for Inborn genetic diseases. Last evaluated: 2025-05-14. Review status: criteria provided, single submitter. Criteria: Ambry Variant Classification Scheme 2023. Collection method: clinical testing. Allele origin: germline.

Blueprint Genetics
Classification: Uncertain significance. Last evaluated: 2023-03-28. Review status: criteria provided, single submitter. Criteria: ACMG Guidelines, 2015. Collection method: clinical testing. Allele origin: germline.

Labcorp Genetics (formerly Invitae), Labcorp
Classification: Uncertain significance. Last evaluated: 2021-08-13. Review status: criteria provided, single submitter. Criteria: Invitae Variant Classification Sherloc (09022015). Collection method: clinical testing. Allele origin: germline.
Comment: This sequence change replaces arginine with glutamine at codon 220 of the USH1C protein (p.Arg220Gln). The arginine residue is moderately conserved and there is a small physicochemical difference between arginine and glutamine. This variant is present in population databases (rs754055631, ExAC 0.003%). This variant has not been reported in the literature in individuals affected with USH1C-related conditions. Algorithms developed to predict the effect of missense changes on protein structure and function (SIFT, PolyPhen-2, Align-GVGD) all suggest that this variant is likely to be tolerated. In summary, the available evidence is currently insufficient to determine the role of this variant in disease. Therefore, it has been classified as a Variant of Uncertain Significance.